The following is an entry in ClinVar:

NM_006031.6(PCNT):c.9212G>A (p.Arg3071Lys)

Gene: PCNT (pericentrin; plus strand). Cytogenetic location: 21q22.3.
Variant type: single nucleotide variant.
Coding change: c.9212G>A on transcript NM_006031.6 (MANE Select); coding-DNA position 9212, G replaced by A.
Protein change: p.Arg3071Lys; replaces arginine 3071 with lysine.
Molecular consequence: missense variant.
Genome position (GRCh38, 1-based): chr21:46,438,276, G>A. VCF-style: chr21-46438276-G-A. GRCh37 (hg19) VCF-style: chr21-47858189-G-A.
Other names: c.8621G>A, p.Arg2874Lys (NM_001315529.2); short protein forms R2874K, R3071K.
Identifiers: ClinVar variation 1377456 (VCV001377456.6), dbSNP rs1455899311, ClinGen allele CA410576757.
Genomic context (GRCh38, chr21:46,438,276, plus strand): 5'-ACAATGTTTCCCTCACAAAAGCGCTCAGCACGGTGACCCAGGAGAAGCTGGAGCTGAGCA[G>A]AGCCGTGTCTAAGCTTGAGAAGTTGCTGAAGCACCATCTGCAGAAGGGCTGCAGCCCAAG-3'
Protein context (NP_006022.3, residues 3061-3081): TVTQEKLELS[Arg3071Lys]AVSKLEKLLK

ClinVar aggregate classification (germline): Uncertain significance (1 of 4 stars; one submission).

Allele frequency attached by ClinVar (database versions not stated): gnomAD exomes below 0.00001; gnomAD 0.00001; TOPMed 0.00002.
gnomAD v4.1: 4 of 1,614,088 alleles (0.00025%); highest among the groups gnomAD compares: African/African-American, 0.0013%; no homozygotes.

Submission:

Labcorp Genetics (formerly Invitae), Labcorp
Classification: Uncertain significance. Last evaluated: 2022-10-17. Review status: criteria provided, single submitter. Criteria: Invitae Variant Classification Sherloc (09022015). Collection method: clinical testing. Allele origin: germline.
Comment: In summary, the available evidence is currently insufficient to determine the role of this variant in disease. Therefore, it has been classified as a Variant of Uncertain Significance. Algorithms developed to predict the effect of missense changes on protein structure and function output the following: SIFT: "Tolerated"; PolyPhen-2: "Benign"; Align-GVGD: "Class C0". The lysine amino acid residue is found in multiple mammalian species, which suggests that this missense change does not adversely affect protein function. ClinVar contains an entry for this variant (Variation ID: 1377456). This variant has not been reported in the literature in individuals affected with PCNT-related conditions. This variant is present in population databases (no rsID available, gnomAD 0.002%). This sequence change replaces arginine, which is basic and polar, with lysine, which is basic and polar, at codon 3071 of the PCNT protein (p.Arg3071Lys).